The following is an entry in ClinVar:

ClinVar aggregate classification (germline): Uncertain significance. Review status: criteria provided, multiple submitters, no conflicts (2 of 4 stars). 2 submissions from 2 submitters: Uncertain significance (2). Last evaluated 2025-10-06.

Allele frequency attached by ClinVar (database versions not stated): ExAC 0.00003; ESP Exome Variant Server 0.00008; gnomAD 0.00010.
gnomAD v4.1: 184 of 1,611,872 alleles (0.011%); highest among the groups gnomAD compares: Non-Finnish European, 0.014%; no homozygotes.

Submissions (2):

Ambry Genetics
Classification: Uncertain significance. Last evaluated: 2025-10-06. Review status: criteria provided, single submitter. Criteria: Ambry Variant Classification Scheme 2023. Collection method: clinical testing. Allele origin: germline.

Labcorp Genetics (formerly Invitae), Labcorp
Classification: Uncertain significance. Last evaluated: 2023-03-12. Review status: criteria provided, single submitter. Criteria: Invitae Variant Classification Sherloc (09022015). Collection method: clinical testing. Allele origin: germline.
Comment: In summary, the available evidence is currently insufficient to determine the role of this variant in disease. Therefore, it has been classified as a Variant of Uncertain Significance. Advanced modeling of protein sequence and biophysical properties (such as structural, functional, and spatial information, amino acid conservation, physicochemical variation, residue mobility, and thermodynamic stability) performed at Invitae indicates that this missense variant is not expected to disrupt MYH7B protein function. This variant has not been reported in the literature in individuals affected with MYH7B-related conditions. This variant is present in population databases (rs368945461, gnomAD 0.01%). This sequence change replaces arginine, which is basic and polar, with tryptophan, which is neutral and slightly polar, at codon 840 of the MYH7B protein (p.Arg840Trp).

NM_020884.7(MYH7B):c.2392C>T (p.Arg798Trp)

Gene: MYH7B (myosin heavy chain 7B; plus strand). Cytogenetic location: 20q11.22.
Variant type: single nucleotide variant.
Coding change: c.2392C>T on transcript NM_020884.7 (MANE Select); coding-DNA position 2392, C replaced by T.
Protein change: p.Arg798Trp; replaces arginine 798 with tryptophan.
Molecular consequence: missense variant.
Genome position (GRCh38, 1-based): chr20:34,993,418, C>T. VCF-style: chr20-34993418-C-T. GRCh37 (hg19) VCF-style: chr20-33581221-C-T.
Other names: c.2518C>T (NM_020884.3); short protein forms R798W.
Identifiers: ClinVar variation 2978173 (VCV002978173.4), dbSNP rs368945461, ClinGen allele CA9827355.